The following is an entry in ClinVar:

ClinVar aggregate classification (germline): Uncertain significance (1 of 4 stars; one submission).

Conditions:
Hereditary cancer-predisposing syndrome. Also called: Neoplastic Syndromes, Hereditary; Tumor predisposition; Hereditary Cancer Syndrome; Hereditary neoplastic syndrome. Identifiers: Orphanet 140162, MedGen C0027672, MeSH D009386, MONDO:0015356.

Submission:

Ambry Genetics
Classification: Uncertain significance for Hereditary cancer-predisposing syndrome. Last evaluated: 2026-06-10. Review status: criteria provided, single submitter. Criteria: Ambry Variant Classification Scheme 2023. Collection method: clinical testing. Allele origin: germline.
Comment: The p.K227R variant (also known as c.680A>G), located in coding exon 8 of the NF2 gene, results from an A to G substitution at nucleotide position 680. The lysine at codon 227 is replaced by arginine, an amino acid with highly similar properties. This amino acid position is conserved. In addition, the in silico prediction for this alteration is inconclusive. Based on the available evidence, the clinical significance of this variant remains unclear.

NM_000268.4(NF2):c.680A>G (p.Lys227Arg)

Gene: NF2 (NF2, moesin-ezrin-radixin like (MERLIN) tumor suppressor; plus strand). Cytogenetic location: 22q12.2.
Variant type: single nucleotide variant.
Coding change: c.680A>G on transcript NM_000268.4 (MANE Select); coding-DNA position 680, A replaced by G.
Protein change: p.Lys227Arg; replaces lysine 227 with arginine.
Molecular consequence: missense variant. On other transcripts: non-coding transcript variant (1), intron variant (4).
Genome position (GRCh38, 1-based): chr22:29,661,209, A>G. VCF-style: chr22-29661209-A-G. GRCh37 (hg19) VCF-style: chr22-30057198-A-G.
Other names: c.566A>G, p.Lys189Arg (NM_001407053.1, NM_001407056.1); c.557A>G, p.Lys186Arg (NM_001407054.1, NM_001407058.1, NM_181829.3); c.554A>G, p.Lys185Arg (NM_001407055.1, NM_181828.3); c.680A>G, p.Lys227Arg (NM_001407060.1, NM_001407066.1, NM_016418.5 and 2 more transcripts); c.431A>G, p.Lys144Arg (NM_001407063.1, NM_001407064.1, NM_181830.3 and 1 more transcripts); c.146A>G, p.Lys49Arg (NM_001407065.1); c.449A>G, p.Lys150Arg (NM_001407067.1); c.675+2945A>G (NM_001407059.1, NM_001407057.1); and 2 more; short protein forms K144R, K150R, K185R, K186R, K189R, K227R, K49R.
Identifiers: ClinVar variation 4861035 (VCV004861035.1).